The following is an entry in ClinVar:

NM_182961.4(SYNE1):c.5421+9G>T

Gene: SYNE1 (spectrin repeat containing nuclear envelope protein 1; minus strand). Cytogenetic location: 6q25.2.
Variant type: single nucleotide variant.
Coding change: c.5421+9G>T on transcript NM_182961.4 (MANE Select); 9 bases into the intron after coding-DNA position 5421, G replaced by T.
Molecular consequence: intron variant.
Genome position (GRCh38, 1-based): chr6:152,419,560, C>A on the plus strand (G>T on the coding strand, the complement: SYNE1 is on the minus strand). VCF-style: chr6-152419560-C-A. GRCh37 (hg19) VCF-style: chr6-152740695-C-A.
Other names: p.?; c.5442+9G>T (NM_033071.5).
Identifiers: ClinVar variation 289637 (VCV000289637.23), dbSNP rs376218204, ClinGen allele CA4058300.

ClinVar aggregate classification (germline): Conflicting classifications of pathogenicity. Review status: criteria provided, conflicting classifications (1 of 4 stars). 8 submissions from 7 submitters: Uncertain significance (2); Benign (2); Likely benign (4). Last evaluated 2025-11-08.

Conditions:
Emery-Dreifuss muscular dystrophy 4, autosomal dominant (EDMD4). Also called: EMERY-DREIFUSS MUSCULAR DYSTROPHY 4 WITH VARIABLE FEATURES. Identifiers: Orphanet 261, MedGen C2751807, MONDO:0013071, OMIM 612998.
Autosomal recessive ataxia, Beauce type. Also called: SYNE1 Deficiency; ATAXIA, RECESSIVE, OF BEAUCE; SYNE1-Related Autosomal Recessive Cerebellar Ataxia; Spinocerebellar ataxia, autosomal recessive 8. Identifiers: Orphanet 88644, MedGen C1853116, MONDO:0012549, OMIM 610743.

Allele frequency attached by ClinVar (database versions not stated): ExAC 0.00019; 1000 Genomes Project 0.00020; gnomAD exomes 0.00026; 1000 Genomes Project 30x 0.00031; gnomAD 0.00059 and 0.00060.
gnomAD v4.1: 312 of 1,563,100 alleles (0.02%); highest among the groups gnomAD compares: African/African-American, 0.16%; no homozygotes.

Submissions (8):

Mayo Clinic Laboratories, Mayo Clinic
Classification: Likely benign. Last evaluated: 2025-11-08. Review status: criteria provided, single submitter. Criteria: ACMG Guidelines, 2015. Collection method: clinical testing. Allele origin: germline. Observed: 1 variant allele.
Comment: BS1, BP4, BP7

Labcorp Genetics (formerly Invitae), Labcorp
Classification: Likely benign for Emery-Dreifuss muscular dystrophy 4, autosomal dominant; Autosomal recessive ataxia, Beauce type. Last evaluated: 2025-08-12. Review status: criteria provided, single submitter. Criteria: Invitae Variant Classification Sherloc (09022015). Collection method: clinical testing. Allele origin: germline.

Athena Diagnostics
Classification: Benign. Last evaluated: 2025-04-25. Review status: criteria provided, single submitter. Criteria: Athena Diagnostics Criteria. Collection method: clinical testing. Allele origin: unknown.
Comment: The frequency of this variant in the general population is higher than would generally be expected for pathogenic variants in this gene. Computational tools yielded predictions that this variant is unlikely to have an effect on normal RNA splicing. This nucleotide position exhibits low evolutionary conservation.

Blueprint Genetics
Classification: Likely benign. Last evaluated: 2024-06-10. Review status: criteria provided, single submitter. Criteria: ACMG Guidelines, 2015. Collection method: clinical testing. Allele origin: germline.

Illumina Laboratory Services, Illumina
Classification: Benign for Emery-Dreifuss muscular dystrophy 4, autosomal dominant. Last evaluated: 2018-01-13. Review status: criteria provided, single submitter. Criteria: ICSL Variant Classification Criteria 13 December 2019. Collection method: clinical testing. Allele origin: germline.
Comment: This variant was observed in the ICSL laboratory as part of a predisposition screen in an ostensibly healthy population. It had not been previously curated by ICSL or reported in the Human Gene Mutation Database (HGMD: prior to June 1st, 2018), and was therefore a candidate for classification through an automated scoring system. Utilizing variant allele frequency, disease prevalence and penetrance estimates, and inheritance mode, an automated score was calculated to assess if this variant is too frequent to cause the disease. Based on the score and internal cut-off values, a variant classified as benign is not then subjected to further curation. The score for this variant resulted in a classification of benign for this disease.

Illumina Laboratory Services, Illumina
Classification: Uncertain significance for Autosomal recessive ataxia, Beauce type. Last evaluated: 2018-01-13. Review status: criteria provided, single submitter. Criteria: ICSL Variant Classification Criteria 13 December 2019. Collection method: clinical testing. Allele origin: germline.

GeneDx
Classification: Likely benign. Last evaluated: 2017-05-19. Review status: criteria provided, single submitter. Criteria: GeneDx Variant Classification (06012015). Collection method: clinical testing. Allele origin: germline. Affected: yes.
Comment: This variant is considered likely benign or benign based on one or more of the following criteria: it is a conservative change, it occurs at a poorly conserved position in the protein, it is predicted to be benign by multiple in silico algorithms, and/or has population frequency not consistent with disease.

Eurofins Ntd Llc (ga)
Classification: Uncertain significance. Last evaluated: 2016-09-22. Review status: criteria provided, single submitter. Criteria: EGL Classification Definitions 2015. Collection method: clinical testing. Allele origin: germline. Observed: 1 variant allele, 1 heterozygote.